The following is an entry in ClinVar:

NM_001048174.2(MUTYH):c.196A>C (p.Thr66Pro)

Gene: MUTYH (mutY DNA glycosylase; minus strand). Cytogenetic location: 1p34.1.
Variant type: single nucleotide variant.
Coding change: c.196A>C on transcript NM_001048174.2 (MANE Select); coding-DNA position 196, A replaced by C.
Protein change: p.Thr66Pro; replaces threonine 66 with proline.
Molecular consequence: missense variant. On other transcripts: 5 prime UTR variant (6), non-coding transcript variant (7).
Genome position (GRCh38, 1-based): chr1:45,333,481, T>G on the plus strand (A>C on the coding strand, the complement: MUTYH is on the minus strand). VCF-style: chr1-45333481-T-G. GRCh37 (hg19) VCF-style: chr1-45799153-T-G.
Other names: c.196A>C, p.Thr66Pro (NM_001048171.2, NM_001048173.2, NM_001293195.2 and 6 more transcripts); c.199A>C, p.Thr67Pro (NM_001048172.2, NM_001407071.1, NM_001407078.1 and 2 more transcripts); c.280A>C, p.Thr94Pro (NM_001128425.2); c.241A>C, p.Thr81Pro (NM_001293190.2); c.229A>C, p.Thr77Pro (NM_001293191.2, NM_001407077.1); c.-81A>C (NM_001293192.2, NM_001293196.2, NM_001407091.1); c.-76A>C (NM_001350650.2, NM_001350651.2, NM_001407082.1); c.271A>C, p.Thr91Pro (NM_001407069.1, NM_012222.3); and 3 more; short protein forms T38P, T67P, T91P, T66P, T94P, T80P, T73P, T77P.
Identifiers: ClinVar variation 4113573 (VCV004113573.1).

ClinVar aggregate classification (germline): Uncertain significance (1 of 4 stars; one submission).

Conditions:
Hereditary cancer-predisposing syndrome. Also called: Hereditary neoplastic syndrome; Neoplastic Syndromes, Hereditary; Tumor predisposition; Hereditary Cancer Syndrome. Identifiers: Orphanet 140162, MedGen C0027672, MeSH D009386, MONDO:0015356.

Submission:

Ambry Genetics
Classification: Uncertain significance for Hereditary cancer-predisposing syndrome. Last evaluated: 2025-08-27. Review status: criteria provided, single submitter. Criteria: Ambry Variant Classification Scheme 2023. Collection method: clinical testing. Allele origin: germline.
Comment: The p.T94P variant (also known as c.280A>C), located in coding exon 3 of the MUTYH gene, results from an A to C substitution at nucleotide position 280. The threonine at codon 94 is replaced by proline, an amino acid with highly similar properties. This amino acid position is conserved. In addition, the in silico prediction for this alteration is inconclusive. Based on the available evidence, the clinical significance of this variant remains unclear.